The following is an entry in ClinVar:

NM_000027.4(AGA):c.698+1G>T

Gene: AGA (aspartylglucosaminidase; minus strand). Cytogenetic location: 4q34.3.
Variant type: single nucleotide variant.
Coding change: c.698+1G>T on transcript NM_000027.4 (MANE Select); the canonical splice donor site of the intron after coding-DNA position 698, G replaced by T.
Molecular consequence: splice donor variant. On other transcripts: intron variant (1).
Genome position (GRCh38, 1-based): chr4:177,436,275, C>A on the plus strand (G>T on the coding strand, the complement: AGA is on the minus strand). VCF-style: chr4-177436275-C-A. GRCh37 (hg19) VCF-style: chr4-178357429-C-A.
Other names: c.676+23G>T (NM_001171988.2).
Identifiers: ClinVar variation 371315 (VCV000371315.11), dbSNP rs1057517175, ClinGen allele CA16040931.

ClinVar aggregate classification (germline): Pathogenic/Likely pathogenic. Review status: criteria provided, multiple submitters, no conflicts (2 of 4 stars). 3 submissions from 3 submitters: Pathogenic (1); Likely pathogenic (1). 1 of the submissions does not count toward it. Last evaluated 2025-10-07.

Conditions:
Aspartylglucosaminuria (AGU). Also called: GLYCOASPARAGINASE; GLYCOSYLASPARAGINASE DEFICIENCY; Aspartylglucos-aminuria; Aspartylglucos-amidase (AGA) deficiency; AGA DEFICIENCY. Identifiers: Orphanet 93, MedGen C0268225, MONDO:0008830, OMIM 208400, HP:0012068.

Allele frequency attached by ClinVar (database versions not stated): TOPMed below 0.00001; gnomAD exomes below 0.00001.
gnomAD v4.1: 16 of 1,608,378 alleles (0.00099%); highest among the groups gnomAD compares: East Asian, 0.0067%; no homozygotes.

Submissions (3):

Natera, Inc.
Classification: Pathogenic for Aspartylglucosaminuria. Last evaluated: 2025-10-07. Review status: criteria provided, single submitter. Criteria: Natera Variant Classification Schema (03/2026). Collection method: clinical testing. Allele origin: germline.
Comment: The c.698+1G>T variant in AGA is a canonical splice donor site variant predicted to affect pre-mRNA splicing, which may result in an abnormal transcript and altered protein product. This variant is expected to result in nonsense mediated decay, truncation, or a dysfunctional protein product. This variant is rare in the general population with a frequency below the threshold expected for the associated phenotype(s). This variant has been observed in one or more individuals affected with the associated recessive disease, as either homozygous or compound heterozygous with a second variant (PMID: 38831911). Functional studies show that this variant may disrupt protein function (PMID: 38831911). Given the available evidence, this variant is classified as Pathogenic.

Baylor Genetics
Classification: Likely pathogenic for Aspartylglucosaminuria. Last evaluated: 2024-01-06. Review status: criteria provided, single submitter. Criteria: ACMG Guidelines, 2015. Collection method: clinical testing. Allele origin: unknown.

Counsyl
Classification: Likely pathogenic for Aspartylglucosaminuria. Last evaluated: 2016-08-26. Review status: no assertion criteria provided. Collection method: clinical testing. Allele origin: unknown. Not counted in ClinVar's aggregate classification.

Literature cited by the submitters: PubMed 38831911 (cited by Natera, Inc.).